The following is an entry in ClinVar:

NM_001364564.1(SALL2):c.2639A>G (p.Glu880Gly)

Gene: SALL2 (spalt like transcription factor 2; minus strand). Cytogenetic location: 14q11.2.
Variant type: single nucleotide variant.
Coding change: c.2639A>G on transcript NM_001364564.1 (MANE Select); coding-DNA position 2639, A replaced by G.
Protein change: p.Glu880Gly; replaces glutamic acid 880 with glycine.
Molecular consequence: missense variant.
Genome position (GRCh38, 1-based): chr14:21,523,083, T>C on the plus strand (A>G on the coding strand, the complement: SALL2 is on the minus strand). VCF-style: chr14-21523083-T-C. GRCh37 (hg19) VCF-style: chr14-21991217-T-C.
Other names: c.2240A>G, p.Glu747Gly (NM_001291446.2); c.2234A>G, p.Glu745Gly (NM_001291447.2); c.2645A>G, p.Glu882Gly (NM_005407.3); short protein forms E882G, E745G, E880G, E747G.
Identifiers: ClinVar variation 3436869 (VCV003436869.2).
Genomic context (GRCh38, chr14:21,523,083, plus strand): 5'-TTTCTCATTGCCTCCTGCAGGCTCAGCTCCTCTACCAAGGTCACGCTGGTGGCTTCCCCT[T>C]CTGGGGTGAGTGCTGATGCCGGACTTGAGCTTCTCTCCGGTTTGCCCCCCTCTTCCTTGC-3'
Protein context (NP_001351493.1, residues 870-890): SSSPASALTP[Glu880Gly]GEATSVTLVE

ClinVar aggregate classification (germline): Uncertain significance. Review status: criteria provided, multiple submitters, no conflicts (2 of 4 stars). 2 submissions from 2 submitters: Uncertain significance (2). Last evaluated 2025-04-28.

gnomAD v4.1: 2 of 1,614,166 alleles (0.00012%); highest among the groups gnomAD compares: Admixed American, 0.0017%; no homozygotes.

Submissions (2):

Labcorp Genetics (formerly Invitae), Labcorp
Classification: Uncertain significance. Last evaluated: 2025-04-28. Review status: criteria provided, single submitter. Criteria: Invitae Variant Classification Sherloc (09022015). Collection method: clinical testing. Allele origin: germline.
Comment: This sequence change replaces glutamic acid, which is acidic and polar, with glycine, which is neutral and non-polar, at codon 882 of the SALL2 protein (p.Glu882Gly). This variant is present in population databases (no rsID available, gnomAD 0.003%). This variant has not been reported in the literature in individuals affected with SALL2-related conditions. ClinVar contains an entry for this variant (Variation ID: 3436869). An algorithm developed to predict the effect of missense changes on protein structure and function (PolyPhen-2) suggests that this variant is likely to be disruptive. In summary, the available evidence is currently insufficient to determine the role of this variant in disease. Therefore, it has been classified as a Variant of Uncertain Significance.

Ambry Genetics
Classification: Uncertain significance. Last evaluated: 2024-08-15. Review status: criteria provided, single submitter. Criteria: Ambry Variant Classification Scheme 2023. Collection method: clinical testing. Allele origin: germline.